The following is an entry in ClinVar:

NM_020340.5(ARFGEF3):c.5626_5628del (p.Glu1876del)

Gene: ARFGEF3 (ARFGEF family member 3; plus strand). Cytogenetic location: 6q24.1.
Variant type: Deletion.
Coding change: c.5626_5628del on transcript NM_020340.5 (MANE Select); coding-DNA positions 5626 to 5628, 3 bases deleted (GAG; older notation c.5626_5628delGAG).
Protein change: p.Glu1876del; deletes glutamic acid 1876.
Genome position (GRCh38, 1-based): chr6:138,334,472-138,334,474, GAG deleted; deleting any 3 consecutive bases within chr6:138,334,470-138,334,474 gives the same sequence; the c. name uses the placement nearest the transcript's 3' end. VCF-style (leftmost placement, unchanged base first): chr6-138334469-AAGG-A. GRCh37 (hg19) VCF-style: chr6-138655606-AAGG-A.
Other names: short protein forms E1876del.
Identifiers: ClinVar variation 3034440 (VCV003034440.2), dbSNP rs777828045, ClinGen allele CA4021639.

ClinVar aggregate classification (germline): Likely benign (0 of 4 stars; one submission).

Conditions:
ARFGEF3-related disorder. Also called: ARFGEF3-related condition.

Submission:

PreventionGenetics, part of Exact Sciences
Classification: Likely benign for ARFGEF3-related condition. Last evaluated: 2019-06-17. Review status: no assertion criteria provided. Collection method: clinical testing. Allele origin: germline.
Comment: This variant is classified as likely benign based on ACMG/AMP sequence variant interpretation guidelines (Richards et al. 2015 PMID: 25741868, with internal and published modifications).